The following is an entry in ClinVar:

ClinVar aggregate classification (germline): Uncertain significance (1 of 4 stars; one submission).

Conditions:
Pheochromocytoma. Also called: MAX-Related Hereditary Paraganglioma-Pheochromocytoma Syndrome. Identifiers: Orphanet 29072, MedGen C0031511, MONDO:0008233, OMIM 171300, HP:0002666.
Carney-Stratakis syndrome. Also called: PARAGANGLIOMA AND GASTROINTESTINAL STROMAL TUMOR. Identifiers: Orphanet 97286, MedGen C1847319, MONDO:0011740, OMIM 606864.
Cowden syndrome 3 (CWS3). Identifiers: Orphanet 201, MedGen CN166604, MONDO:0014045.
Paragangliomas with sensorineural hearing loss. Identifiers: MedGen C1868633.

Submission:

Labcorp Genetics (formerly Invitae), Labcorp
Classification: Uncertain significance for Carney-Stratakis syndrome; Paragangliomas with sensorineural hearing loss; Pheochromocytoma; Cowden syndrome 3. Last evaluated: 2025-08-24. Review status: criteria provided, single submitter. Criteria: Invitae Variant Classification Sherloc (09022015). Collection method: clinical testing. Allele origin: germline.
Comment: This sequence change replaces valine, which is neutral and non-polar, with leucine, which is neutral and non-polar, at codon 74 of the SDHD protein (p.Val74Leu). This variant is not present in population databases (gnomAD no frequency). This variant has not been reported in the literature in individuals affected with SDHD-related conditions. Invitae Evidence Modeling of protein sequence and biophysical properties (such as structural, functional, and spatial information, amino acid conservation, physicochemical variation, residue mobility, and thermodynamic stability) indicates that this missense variant is not expected to disrupt SDHD protein function with a negative predictive value of 95%. In summary, the available evidence is currently insufficient to determine the role of this variant in disease. Therefore, it has been classified as a Variant of Uncertain Significance.

NM_003002.4(SDHD):c.220G>C (p.Val74Leu)

Gene: SDHD (succinate dehydrogenase complex subunit D; plus strand). Cytogenetic location: 11q23.1.
Variant type: single nucleotide variant.
Coding change: c.220G>C on transcript NM_003002.4 (MANE Select); coding-DNA position 220, G replaced by C.
Protein change: p.Val74Leu; replaces valine 74 with leucine.
Molecular consequence: missense variant. On other transcripts: non-coding transcript variant (1), intron variant (1).
Genome position (GRCh38, 1-based): chr11:112,088,917, G>C. VCF-style: chr11-112088917-G-C. GRCh37 (hg19) VCF-style: chr11-111959641-G-C.
Other names: c.103G>C, p.Val35Leu (NM_001276504.2); c.220G>C, p.Val74Leu (NM_001276506.2); c.169+944G>C (NM_001276503.2); short protein forms V35L, V74L.
Identifiers: ClinVar variation 4783672 (VCV004783672.1).